The following is an entry in ClinVar:

ClinVar aggregate classification (germline): Uncertain significance (1 of 4 stars; one submission).

Submission:

Ambry Genetics
Classification: Uncertain significance. Last evaluated: 2024-07-27. Review status: criteria provided, single submitter. Criteria: Ambry Variant Classification Scheme 2023. Collection method: clinical testing. Allele origin: germline.
Comment: The p.C535F variant (also known as c.1604G>T), located in coding exon 16 of the KIF1B gene, results from a G to T substitution at nucleotide position 1604. The cysteine at codon 535 is replaced by phenylalanine, an amino acid with highly dissimilar properties. This amino acid position is conserved. In addition, this alteration is predicted to be deleterious by in silico analysis. Based on the available evidence, the clinical significance of this variant remains unclear.

NM_001365951.3(KIF1B):c.1742G>T (p.Cys581Phe)

Gene: KIF1B (kinesin family member 1B; plus strand). Cytogenetic location: 1p36.22.
Variant type: single nucleotide variant.
Coding change: c.1742G>T on transcript NM_001365951.3 (MANE Select); coding-DNA position 1742, G replaced by T.
Protein change: p.Cys581Phe; replaces cysteine 581 with phenylalanine.
Molecular consequence: missense variant.
Genome position (GRCh38, 1-based): chr1:10,295,731, G>T. VCF-style: chr1-10295731-G-T. GRCh37 (hg19) VCF-style: chr1-10355789-G-T.
Other names: c.1742G>T, p.Cys581Phe (NM_001365952.1); c.1604G>T, p.Cys535Phe (NM_001365953.1, NM_015074.3, NM_183416.4); short protein forms C535F, C581F.
Identifiers: ClinVar variation 3533948 (VCV003533948.1).
Genomic context (GRCh38, chr1:10,295,731, plus strand): 5'-CAGATGCTGAGCGGCGCCAGGACATAGTGCTGAGCGGGGCTCACATTAAAGAAGAGCATT[G>T]TATCTTCCGGAGTGAGAGAAGCAACAGCGGGGAAGGTGAGCATTCCTGGCTGGAGCTTCA-3'
Protein context (NP_001352880.1, residues 571-591): LSGAHIKEEH[Cys581Phe]IFRSERSNSG